The following is an entry in ClinVar:

ClinVar aggregate classification (germline): Uncertain significance (1 of 4 stars; one submission).

Conditions:
Immunodeficiency 39 (IMD39). Identifiers: Orphanet 574918, MedGen C4225358, MONDO:0014597, OMIM 616345.

Submission:

Labcorp Genetics (formerly Invitae), Labcorp
Classification: Uncertain significance for Immunodeficiency 39. Last evaluated: 2025-06-23. Review status: criteria provided, single submitter. Criteria: Invitae Variant Classification Sherloc (09022015). Collection method: clinical testing. Allele origin: germline.
Comment: This sequence change replaces methionine, which is neutral and non-polar, with isoleucine, which is neutral and non-polar, at codon 384 of the IRF7 protein (p.Met384Ile). This variant is not present in population databases (gnomAD no frequency). This variant has not been reported in the literature in individuals affected with IRF7-related conditions. Invitae Evidence Modeling of protein sequence and biophysical properties (such as structural, functional, and spatial information, amino acid conservation, physicochemical variation, residue mobility, and thermodynamic stability) indicates that this missense variant is not expected to disrupt IRF7 protein function with a negative predictive value of 80%. In summary, the available evidence is currently insufficient to determine the role of this variant in disease. Therefore, it has been classified as a Variant of Uncertain Significance.

NM_001572.5(IRF7):c.1113G>C (p.Met371Ile)

Gene: IRF7 (interferon regulatory factor 7; minus strand). Cytogenetic location: 11p15.5.
Variant type: single nucleotide variant.
Coding change: c.1113G>C on transcript NM_001572.5 (MANE Select); coding-DNA position 1113, G replaced by C.
Protein change: p.Met371Ile; replaces methionine 371 with isoleucine.
Molecular consequence: missense variant.
Genome position (GRCh38, 1-based): chr11:613,330, C>G on the plus strand (G>C on the coding strand, the complement: IRF7 is on the minus strand). VCF-style: chr11-613330-C-G. GRCh37 (hg19) VCF-style: chr11-613330-C-G.
Other names: c.1149G>C, p.Met383Ile (NM_001440440.1); c.1110G>C, p.Met370Ile (NM_001440442.1); c.1065G>C, p.Met355Ile (NM_001440444.1); c.1023G>C, p.Met341Ile (NM_001440445.1); c.741G>C, p.Met247Ile (NM_001440446.1); c.1026G>C, p.Met342Ile (NM_004029.4); c.1152G>C, p.Met384Ile (NM_004031.4); short protein forms M247I, M341I, M342I, M355I, M370I, M371I, M383I, M384I.
Identifiers: ClinVar variation 4804404 (VCV004804404.1).
Genomic context (GRCh38, chr11:613,330, plus strand): 5'-GGTGGAGGGGCTGGCGGAGCCTGGGGGTCCGCCCACCTCCCAGTACACCTTGCACTTGCC[C>G]ATGCGCCGGGCCCACAGCTGTGGCCCCCGAAGCTCCAGGTGCAACCCAGGGGCCACGTGC-3'
Protein context (NP_001563.2, residues 361-381): LRGPQLWARR[Met371Ile]GKCKVYWEVG